The following is an entry in ClinVar:

ClinVar aggregate classification (germline): Uncertain significance (1 of 4 stars; one submission).

Conditions:
Gastrointestinal stromal tumor. Also called: Gastrointestinal stromal tumor, somatic; Gastrointestinal stroma tumor. Identifiers: Orphanet 44890, MedGen C0238198, MeSH D046152, MONDO:0011719, OMIM 606764, HP:0100723.

Submission:

Labcorp Genetics (formerly Invitae), Labcorp
Classification: Uncertain significance for Gastrointestinal stromal tumor. Last evaluated: 2020-06-17. Review status: criteria provided, single submitter. Criteria: Invitae Variant Classification Sherloc (09022015). Collection method: clinical testing. Allele origin: germline.
Comment: This sequence change falls in intron 12 of the PDGFRA gene. It does not directly change the encoded amino acid sequence of the PDGFRA protein. This variant is not present in population databases (ExAC no frequency). This variant has not been reported in the literature in individuals with PDGFRA-related conditions. Algorithms developed to predict the effect of sequence changes on RNA splicing suggest that this variant may disrupt the consensus splice site, but this prediction has not been confirmed by published transcriptional studies. In summary, the available evidence is currently insufficient to determine the role of this variant in disease. Therefore, it has been classified as a Variant of Uncertain Significance.

NM_006206.6(PDGFRA):c.1787-6C>A

Gene: PDGFRA (platelet derived growth factor receptor alpha; plus strand). Cytogenetic location: 4q12.
Variant type: single nucleotide variant.
Coding change: c.1787-6C>A on transcript NM_006206.6 (MANE Select); 6 bases into the intron before coding-DNA position 1787, C replaced by A.
Molecular consequence: intron variant.
Genome position (GRCh38, 1-based): chr4:54,277,382, C>A. VCF-style: chr4-54277382-C-A. GRCh37 (hg19) VCF-style: chr4-55143549-C-A.
Other names: c.1862-6C>A (NM_001347828.2); c.1787-6C>A (NM_001347827.2, NM_001347829.2); c.1826-6C>A (NM_001347830.2).
Identifiers: ClinVar variation 1009007 (VCV001009007.9), dbSNP rs1723795338, ClinGen allele CA1458536663.